The following is an entry in ClinVar:

ClinVar aggregate classification (germline): Benign/Likely benign. Review status: criteria provided, multiple submitters, no conflicts (2 of 4 stars). 5 submissions from 5 submitters: Benign (1); Likely benign (2). 2 of the submissions do not count toward it. Last evaluated 2025-10-09.

Conditions:
CPS1-related disorder. Also called: CPS1-related condition.
Congenital hyperammonemia, type I. Also called: CPS I DEFICIENCY; Carbamoyl phosphate synthetase 1 deficiency; Hyperammonemia due to carbamoyl phosphate synthetase 1 deficiency; CPS 1 deficiency; Carbamyl phosphate synthetase (CPS) deficiency; Carbamoyl phosphate synthetase I deficiency disease. Identifiers: Orphanet 147, MedGen C4082171, MONDO:0009376, OMIM 237300.

Allele frequency attached by ClinVar (database versions not stated): gnomAD exomes 0.00006 and 0.00021; ExAC 0.00026; 1000 Genomes Project 0.00060; 1000 Genomes Project 30x 0.00062; gnomAD 0.00066 and 0.00071; ESP Exome Variant Server 0.00069; TOPMed 0.00071.

Submissions (5):

Labcorp Genetics (formerly Invitae), Labcorp
Classification: Benign for Congenital hyperammonemia, type I. Last evaluated: 2025-10-09. Review status: criteria provided, single submitter. Criteria: Invitae Variant Classification Sherloc (09022015). Collection method: clinical testing. Allele origin: germline.

Blueprint Genetics
Classification: Likely benign. Last evaluated: 2024-11-11. Review status: criteria provided, single submitter. Criteria: ACMG Guidelines, 2015. Collection method: clinical testing. Allele origin: germline.

GeneDx
Classification: Likely benign. Last evaluated: 2018-05-11. Review status: criteria provided, single submitter. Criteria: GeneDx Variant Classification (06012015). Collection method: clinical testing. Allele origin: germline. Affected: yes.
Comment: This variant is considered likely benign or benign based on one or more of the following criteria: it is a conservative change, it occurs at a poorly conserved position in the protein, it is predicted to be benign by multiple in silico algorithms, and/or has population frequency not consistent with disease.

PreventionGenetics, part of Exact Sciences
Classification: Likely benign for CPS1-related condition. Last evaluated: 2019-11-26. Review status: no assertion criteria provided. Collection method: clinical testing. Allele origin: germline. Not counted in ClinVar's aggregate classification.
Comment: This variant is classified as likely benign based on ACMG/AMP sequence variant interpretation guidelines (Richards et al. 2015 PMID: 25741868, with internal and published modifications).

Natera, Inc.
Classification: Likely benign for Carbamoyl-phosphate synthase I deficiency. Last evaluated: 2019-10-24. Review status: no assertion criteria provided. Collection method: clinical testing. Allele origin: germline. Not counted in ClinVar's aggregate classification.

NM_001875.5(CPS1):c.1416T>C (p.Asn472=)

Gene: CPS1 (carbamoyl-phosphate synthase 1; plus strand). Cytogenetic location: 2q34.
Variant type: single nucleotide variant.
Coding change: c.1416T>C on transcript NM_001875.5 (MANE Select); coding-DNA position 1416, T replaced by C.
Protein change: p.Asn472=; no amino-acid change (asparagine 472 retained).
Molecular consequence: synonymous variant. On other transcripts: non-coding transcript variant (2).
Genome position (GRCh38, 1-based): chr2:210,599,428, T>C. VCF-style: chr2-210599428-T-C. GRCh37 (hg19) VCF-style: chr2-211464152-T-C.
Other names: c.1416T>C, p.Asn472= (NM_001122633.3, NM_001369257.1); c.1449T>C, p.Asn483= (NM_001369256.1).
Identifiers: ClinVar variation 682377 (VCV000682377.19), dbSNP rs148204462, ClinGen allele CA2086360.